The following is an entry in ClinVar:

NM_000138.5(FBN1):c.5552A>G (p.Asn1851Ser)

Gene: FBN1 (fibrillin 1; minus strand). Cytogenetic location: 15q21.1.
Variant type: single nucleotide variant.
Coding change: c.5552A>G on transcript NM_000138.5 (MANE Select); coding-DNA position 5552, A replaced by G.
Protein change: p.Asn1851Ser; replaces asparagine 1851 with serine.
Molecular consequence: missense variant.
Genome position (GRCh38, 1-based): chr15:48,448,887, T>C on the plus strand (A>G on the coding strand, the complement: FBN1 is on the minus strand). VCF-style: chr15-48448887-T-C. GRCh37 (hg19) VCF-style: chr15-48741084-T-C.
Other names: short protein forms N1851S.
Identifiers: ClinVar variation 36090 (VCV000036090.6), dbSNP rs193922214, ClinGen allele CA015886.

ClinVar aggregate classification (germline): Conflicting classifications of pathogenicity. Review status: criteria provided, conflicting classifications (1 of 4 stars). 2 submissions from 2 submitters: Likely pathogenic (1); Uncertain significance (1). Last evaluated 2023-04-12.

Conditions:
Familial thoracic aortic aneurysm and aortic dissection (TAAD). Also called: Thoracic aortic aneurysms and dissections. Identifiers: Orphanet 91387, MedGen C4707243, MONDO:0019625.
Marfan syndrome (MFS). Also called: FBN1-Related Marfan Syndrome; Marfan syndrome type 1; Marfan's syndrome; Marfan syndrome, classic; MARFAN SYNDROME, TYPE I. Identifiers: Orphanet 284963, Orphanet 558, MedGen C0024796, MONDO:0007947, OMIM 154700.

Submissions (2):

Labcorp Genetics (formerly Invitae), Labcorp
Classification: Uncertain significance for Marfan syndrome; Familial thoracic aortic aneurysm and aortic dissection. Last evaluated: 2023-04-12. Review status: criteria provided, single submitter. Criteria: Invitae Variant Classification Sherloc (09022015). Collection method: clinical testing. Allele origin: germline.
Comment: In summary, the available evidence is currently insufficient to determine the role of this variant in disease. Therefore, it has been classified as a Variant of Uncertain Significance. Advanced modeling of protein sequence and biophysical properties (such as structural, functional, and spatial information, amino acid conservation, physicochemical variation, residue mobility, and thermodynamic stability) performed at Invitae indicates that this missense variant is expected to disrupt FBN1 protein function. ClinVar contains an entry for this variant (Variation ID: 36090). This sequence change replaces asparagine, which is neutral and polar, with serine, which is neutral and polar, at codon 1851 of the FBN1 protein (p.Asn1851Ser). This variant is not present in population databases (gnomAD no frequency). This variant has not been reported in the literature in individuals affected with FBN1-related conditions.

Women's Health and Genetics/Laboratory Corporation of America, LabCorp
Classification: Likely pathogenic for Marfan Syndrome. Last evaluated: 2011-08-18. Review status: criteria provided, single submitter. Criteria: LabCorp Variant Classification Summary - May 2015. Collection method: curation. Allele origin: germline. Inheritance: autosomal unknown. Affected: yes.
ClinVar note: Converted during submission from likely pathogenic to Likely pathogenic.